The following is an entry in ClinVar:

ClinVar aggregate classification (germline): Uncertain significance (1 of 4 stars; one submission).

Conditions:
Familial cancer of breast. Also called: Hereditary breast cancer; hereditary breast carcinoma; BREAST CANCER, FAMILIAL. Identifiers: Orphanet 227535, MedGen C0346153, MONDO:0016419, OMIM 114480. Disease mechanism: loss of function.

Submission:

Labcorp Genetics (formerly Invitae), Labcorp
Classification: Uncertain significance for Familial cancer of breast. Last evaluated: 2024-05-01. Review status: criteria provided, single submitter. Criteria: Invitae Variant Classification Sherloc (09022015). Collection method: clinical testing. Allele origin: germline.
Comment: This sequence change replaces asparagine, which is neutral and polar, with aspartic acid, which is acidic and polar, at codon 219 of the BARD1 protein (p.Asn219Asp). This variant is not present in population databases (gnomAD no frequency). This variant has not been reported in the literature in individuals affected with BARD1-related conditions. ClinVar contains an entry for this variant (Variation ID: 948846). An algorithm developed to predict the effect of missense changes on protein structure and function (PolyPhen-2) suggests that this variant is likely to be tolerated. In summary, the available evidence is currently insufficient to determine the role of this variant in disease. Therefore, it has been classified as a Variant of Uncertain Significance.

NM_000465.4(BARD1):c.655A>G (p.Asn219Asp)

Gene: BARD1 (BRCA1 associated RING domain 1; minus strand). Cytogenetic location: 2q35.
Variant type: single nucleotide variant.
Coding change: c.655A>G on transcript NM_000465.4 (MANE Select); coding-DNA position 655, A replaced by G.
Protein change: p.Asn219Asp; replaces asparagine 219 with aspartic acid.
Molecular consequence: missense variant. On other transcripts: non-coding transcript variant (2), intron variant (3).
Genome position (GRCh38, 1-based): chr2:214,781,219, T>C on the plus strand (A>G on the coding strand, the complement: BARD1 is on the minus strand). VCF-style: chr2-214781219-T-C. GRCh37 (hg19) VCF-style: chr2-215645943-T-C.
Other names: c.598A>G, p.Asn200Asp (NM_001282543.2); c.158+28193A>G (NM_001282548.2); c.215+15842A>G (NM_001282545.2); c.364+11078A>G (NM_001282549.2); short protein forms N219D, N200D.
Identifiers: ClinVar variation 948846 (VCV000948846.8), dbSNP rs1695005574, ClinGen allele CA350456559.